The following is an entry in ClinVar:

NM_001330078.2(NRXN1):c.463G>T (p.Val155Phe)

Gene: NRXN1 (neurexin 1; minus strand). Cytogenetic location: 2p16.3.
Variant type: single nucleotide variant.
Coding change: c.463G>T on transcript NM_001330078.2 (MANE Select); coding-DNA position 463, G replaced by T.
Protein change: p.Val155Phe; replaces valine 155 with phenylalanine.
Molecular consequence: missense variant.
Genome position (GRCh38, 1-based): chr2:51,027,811, C>A on the plus strand (G>T on the coding strand, the complement: NRXN1 is on the minus strand). VCF-style: chr2-51027811-C-A. GRCh37 (hg19) VCF-style: chr2-51254949-C-A.
Other names: c.463G>T, p.Val155Phe (NM_001135659.3, NM_001330077.2, NM_001330079.2 and 15 more transcripts); short protein forms V155F.
Identifiers: ClinVar variation 1991460 (VCV001991460.4), dbSNP rs1575277312, ClinGen allele CA346823942.

ClinVar aggregate classification (germline): Uncertain significance (1 of 4 stars; one submission).

Conditions:
Pitt-Hopkins-like syndrome 2 (PTHSL2). Identifiers: Orphanet 221150, Orphanet 600663, MedGen C3280479, MONDO:0013690, OMIM 614325.

Submission:

Labcorp Genetics (formerly Invitae), Labcorp
Classification: Uncertain significance for Pitt-Hopkins-like syndrome 2. Last evaluated: 2022-01-16. Review status: criteria provided, single submitter. Criteria: Invitae Variant Classification Sherloc (09022015). Collection method: clinical testing. Allele origin: germline.
Comment: This sequence change replaces valine, which is neutral and non-polar, with phenylalanine, which is neutral and non-polar, at codon 155 of the NRXN1 protein (p.Val155Phe). In summary, the available evidence is currently insufficient to determine the role of this variant in disease. Therefore, it has been classified as a Variant of Uncertain Significance. Algorithms developed to predict the effect of missense changes on protein structure and function are either unavailable or do not agree on the potential impact of this missense change (SIFT: "Deleterious"; PolyPhen-2: "Benign"; Align-GVGD: "Class C0"). This variant has not been reported in the literature in individuals affected with NRXN1-related conditions. This variant is not present in population databases (gnomAD no frequency).